The following is an entry in ClinVar:

ClinVar aggregate classification (germline): Pathogenic (1 of 4 stars; one submission).

Submission:

GeneDx
Classification: Pathogenic. Last evaluated: 2019-09-24. Review status: criteria provided, single submitter. Criteria: GeneDx Variant Classification Process June 2021. Collection method: clinical testing. Allele origin: germline. Affected: yes.
Comment: Has not been previously published as pathogenic or benign to our knowledge; Not observed in large population cohorts (Lek et al., 2016); Nonsense variant predicted to result in protein truncation or nonsense mediated decay in a gene for which loss-of-function is a known mechanism of disease

NM_004281.4(BAG3):c.709C>T (p.Gln237Ter)

Gene: BAG3 (BAG cochaperone 3; plus strand). Cytogenetic location: 10q26.11.
Variant type: single nucleotide variant.
Coding change: c.709C>T on transcript NM_004281.4 (MANE Select); coding-DNA position 709, C replaced by T.
Protein change: p.Gln237Ter; replaces glutamine 237 with a stop codon.
Molecular consequence: nonsense.
Genome position (GRCh38, 1-based): chr10:119,672,456, C>T. VCF-style: chr10-119672456-C-T. GRCh37 (hg19) VCF-style: chr10-121431968-C-T.
Other names: short protein forms Q237*.
Identifiers: ClinVar variation 1188147 (VCV001188147.2), dbSNP rs2134065221, ClinGen allele CA378295635.